The following is an entry in ClinVar:

NM_001005920.4(JMJD8):c.409G>C (p.Gly137Arg)

Gene: JMJD8 (jumonji domain containing 8; minus strand). Cytogenetic location: 16p13.3.
Variant type: single nucleotide variant.
Coding change: c.409G>C on transcript NM_001005920.4 (MANE Select); coding-DNA position 409, G replaced by C.
Protein change: p.Gly137Arg; replaces glycine 137 with arginine.
Molecular consequence: missense variant. On other transcripts: non-coding transcript variant (3).
Genome position (GRCh38, 1-based): chr16:683,424, C>G on the plus strand (G>C on the coding strand, the complement: JMJD8 is on the minus strand). VCF-style: chr16-683424-C-G. GRCh37 (hg19) VCF-style: chr16-733424-C-G.
Other names: c.409G>C, p.Gly137Arg (NM_001323918.3, NM_001323919.3); c.319G>C, p.Gly107Arg (NM_001323920.3, NM_001323922.3); short protein forms G107R, G137R.
Identifiers: ClinVar variation 2645849 (VCV002645849.24), dbSNP rs72773413, ClinGen allele CA7787145.
Genomic context (GRCh38, chr16:683,424, plus strand): 5'-CAAATGGGGGTGGGGAGTAGTGCCGAAAGAGAGAGGCCCACTCGGTGAAGTTGTTGTCCC[C>G]GAAGAAGTACAGGGTGTCTGCCAACAGAGACGGCGGGGACAGGGATCCTGGCACCTGGAG-3'
Protein context (NP_001005920.3, residues 127-147): SLGNDTLYFF[Gly137Arg]DNNFTEWASL

ClinVar aggregate classification (germline): Likely benign (1 of 4 stars; one submission).

Allele frequency attached by ClinVar (database versions not stated): 1000 Genomes Project 0.00359; 1000 Genomes Project 30x 0.00375; ESP Exome Variant Server 0.00392; TOPMed 0.00406; gnomAD 0.00408; ExAC 0.00416.
gnomAD v4.1: 9,080 of 1,552,126 alleles (0.59%); highest among the groups gnomAD compares: Non-Finnish European, 0.7%; 33 homozygotes.

Submission:

CeGaT Center for Human Genetics Tuebingen
Classification: Likely benign. Last evaluated: 2023-01-01. Review status: criteria provided, single submitter. Criteria: CeGaT Center For Human Genetics Tuebingen Variant Classification Criteria Version 2. Collection method: clinical testing. Allele origin: germline. Affected: yes. Observed: 1 variant allele.
Comment: JMJD8: BS2